The following is an entry in ClinVar:

NM_005802.5(TOPORS):c.1529T>C (p.Met510Thr)

Gene: TOPORS (TOP1 binding arginine/serine rich protein, E3 ubiquitin ligase; minus strand). Cytogenetic location: 9p21.1.
Variant type: single nucleotide variant.
Coding change: c.1529T>C on transcript NM_005802.5 (MANE Select); coding-DNA position 1529, T replaced by C.
Protein change: p.Met510Thr; replaces methionine 510 with threonine.
Molecular consequence: missense variant.
Genome position (GRCh38, 1-based): chr9:32,542,996, A>G on the plus strand (T>C on the coding strand, the complement: TOPORS is on the minus strand). VCF-style: chr9-32542996-A-G. GRCh37 (hg19) VCF-style: chr9-32542994-A-G.
Other names: c.1334T>C, p.Met445Thr (NM_001195622.2); short protein forms M510T, M445T.
Identifiers: ClinVar variation 1999054 (VCV001999054.4), dbSNP rs769332940, ClinGen allele CA5020516.

ClinVar aggregate classification (germline): Uncertain significance (1 of 4 stars; one submission).

Allele frequency attached by ClinVar (database versions not stated): TOPMed below 0.00001; ExAC 0.00001; gnomAD 0.00001; gnomAD exomes 0.00001.
gnomAD v4.1: 4 of 1,614,042 alleles (0.00025%); highest among the groups gnomAD compares: Non-Finnish European, 0.00034%; no homozygotes.

Submission:

Labcorp Genetics (formerly Invitae), Labcorp
Classification: Uncertain significance. Last evaluated: 2023-03-23. Review status: criteria provided, single submitter. Criteria: Invitae Variant Classification Sherloc (09022015). Collection method: clinical testing. Allele origin: germline.
Comment: In summary, the available evidence is currently insufficient to determine the role of this variant in disease. Therefore, it has been classified as a Variant of Uncertain Significance. An algorithm developed to predict the effect of missense changes on protein structure and function (PolyPhen-2) suggests that this variant is likely to be tolerated. ClinVar contains an entry for this variant (Variation ID: 1999054). This variant has not been reported in the literature in individuals affected with TOPORS-related conditions. This variant is present in population databases (rs769332940, gnomAD 0.0009%). This sequence change replaces methionine, which is neutral and non-polar, with threonine, which is neutral and polar, at codon 510 of the TOPORS protein (p.Met510Thr).